The following is an entry in ClinVar:

ClinVar aggregate classification (germline): Conflicting classifications of pathogenicity. Review status: criteria provided, conflicting classifications (1 of 4 stars). 5 submissions from 5 submitters: Uncertain significance (4); Likely benign (1). Last evaluated 2025-09-16.

Conditions:
Hereditary breast ovarian cancer syndrome. Also called: BRCA1- and BRCA2-Associated Hereditary Breast and Ovarian Cancer; Hereditary breast and ovarian cancer syndrome; Hereditary breast and ovarian cancer; Hereditary breast and ovarian cancer syndrome (HBOC); Breast and ovarian cancer; Hereditary breast and/or ovarian cancer syndrome. Identifiers: Orphanet 145, MedGen C0677776, MeSH D061325, MONDO:0003582. Disease mechanism: loss of function.
Hereditary cancer-predisposing syndrome. Also called: Neoplastic Syndromes, Hereditary; Tumor predisposition; Hereditary Cancer Syndrome; Hereditary neoplastic syndrome. Identifiers: Orphanet 140162, MedGen C0027672, MeSH D009386, MONDO:0015356.

Submissions (5):

Quest Diagnostics Nichols Institute San Juan Capistrano
Classification: Uncertain significance. Last evaluated: 2025-09-16. Review status: criteria provided, single submitter. Criteria: Quest Diagnostics criteria. Collection method: clinical testing. Allele origin: unknown.
Comment: The BRCA2 c.5769C>A (p.Asp1923Glu) variant has been reported in the published literature in a region of the BRCA2 gene that is tolerant to missense sequence changes (PMID: 31911673 (2020)). This variant has not been reported in large, multi-ethnic general populations (Genome Aggregation Database). Analysis of this variant using bioinformatics tools for the prediction of the effect of amino acid changes on protein structure and function yielded predictions that this variant is benign. Based on the available information, we are unable to determine the clinical significance of this variant.

Ambry Genetics
Classification: Uncertain significance for Hereditary cancer-predisposing syndrome. Last evaluated: 2025-02-18. Review status: criteria provided, single submitter. Criteria: Ambry Variant Classification Scheme 2023. Collection method: clinical testing. Allele origin: germline.
Comment: The p.D1923E variant (also known as c.5769C>A), located in coding exon 10 of the BRCA2 gene, results from a C to A substitution at nucleotide position 5769. The aspartic acid at codon 1923 is replaced by glutamic acid, an amino acid with highly similar properties. This amino acid position is not well conserved in available vertebrate species. In addition, the in silico prediction for this alteration is inconclusive. Based on the available evidence, the clinical significance of this variant remains unclear.

Color Diagnostics, LLC DBA Color Health
Classification: Uncertain significance for Hereditary cancer-predisposing syndrome. Last evaluated: 2024-03-06. Review status: criteria provided, single submitter. Criteria: ACMG Guidelines, 2015. Collection method: clinical testing. Allele origin: germline.
Comment: This missense variant replaces aspartic acid with glutamic acid at codon 1923 of the BRCA2 protein. Computational prediction suggests that this variant may not impact protein structure and function (internally defined REVEL score threshold <= 0.5, PMID: 27666373). Splice site prediction tools suggest that this variant may not impact RNA splicing. To our knowledge, functional studies have not been performed for this variant. This variant has not been reported in individuals affected with hereditary cancer in the literature. This variant has not been identified in the general population by the Genome Aggregation Database (gnomAD). The available evidence is insufficient to determine the role of this variant in disease conclusively. Therefore, this variant is classified as a Variant of Uncertain Significance.

University of Washington Department of Laboratory Medicine, University of Washington
Classification: Likely benign for Hereditary cancer-predisposing syndrome. Last evaluated: 2023-03-23. Review status: criteria provided, single submitter. Criteria: Dines et al. (Genet Med. 2020). Collection method: curation. Allele origin: germline.
Comment: Missense variant in a coldspot region where missense variants are very unlikely to be pathogenic (PMID:31911673).

BRCA2 exon 11 coldspot. Reclassification based on statistical prior probability.

Labcorp Genetics (formerly Invitae), Labcorp
Classification: Uncertain significance for Hereditary breast ovarian cancer syndrome. Last evaluated: 2022-05-09. Review status: criteria provided, single submitter. Criteria: Invitae Variant Classification Sherloc (09022015). Collection method: clinical testing. Allele origin: germline.
Comment: In summary, the available evidence is currently insufficient to determine the role of this variant in disease. Therefore, it has been classified as a Variant of Uncertain Significance. Advanced modeling of protein sequence and biophysical properties (such as structural, functional, and spatial information, amino acid conservation, physicochemical variation, residue mobility, and thermodynamic stability) performed at Invitae indicates that this missense variant is not expected to disrupt BRCA2 protein function. ClinVar contains an entry for this variant (Variation ID: 920254). This variant has not been reported in the literature in individuals affected with BRCA2-related conditions. This variant is not present in population databases (gnomAD no frequency). This sequence change replaces aspartic acid, which is acidic and polar, with glutamic acid, which is acidic and polar, at codon 1923 of the BRCA2 protein (p.Asp1923Glu).

Literature cited by the submitters: PubMed 31911673 (cited by Quest Diagnostics Nichols Institute San Juan Capistrano).

NM_000059.4(BRCA2):c.5769C>A (p.Asp1923Glu)

Gene: BRCA2 (BRCA2 DNA repair associated; plus strand). Cytogenetic location: 13q13.1.
Variant type: single nucleotide variant.
Coding change: c.5769C>A on transcript NM_000059.4 (MANE Select); coding-DNA position 5769, C replaced by A.
Protein change: p.Asp1923Glu; replaces aspartic acid 1923 with glutamic acid.
Molecular consequence: missense variant.
Genome position (GRCh38, 1-based): chr13:32,340,124, C>A. VCF-style: chr13-32340124-C-A. GRCh37 (hg19) VCF-style: chr13-32914261-C-A.
Other names: short protein forms D1923E.
Identifiers: ClinVar variation 920254 (VCV000920254.12), dbSNP rs863224309, ClinGen allele CA387787095.
Genomic context (GRCh38, chr13:32,340,124, plus strand): 5'-TCTTCATAACTCTCTAGATAATGATGAATGTAGCACGCATTCACATAAGGTTTTTGCTGA[C>A]ATTCAGAGTGAAGAAATTTTACAACATAACCAAAATATGTCTGGATTGGAGAAAGTTTCT-3'
Protein context (NP_000050.3, residues 1913-1933): CSTHSHKVFA[Asp1923Glu]IQSEEILQHN